The following is an entry in ClinVar:

ClinVar aggregate classification (germline): Uncertain significance (1 of 4 stars; one submission).

Allele frequency attached by ClinVar (database versions not stated): ExAC 0.00003.

Submission:

Labcorp Genetics (formerly Invitae), Labcorp
Classification: Uncertain significance. Last evaluated: 2022-06-08. Review status: criteria provided, single submitter. Criteria: Invitae Variant Classification Sherloc (09022015). Collection method: clinical testing. Allele origin: germline.
Comment: This sequence change replaces isoleucine, which is neutral and non-polar, with leucine, which is neutral and non-polar, at codon 79 of the HPS3 protein (p.Ile79Leu). This variant is present in population databases (rs755729493, gnomAD 0.02%). This variant has not been reported in the literature in individuals affected with HPS3-related conditions. Algorithms developed to predict the effect of missense changes on protein structure and function are either unavailable or do not agree on the potential impact of this missense change (SIFT: "Tolerated"; PolyPhen-2: "Possibly Damaging"; Align-GVGD: "Class C0"). In summary, the available evidence is currently insufficient to determine the role of this variant in disease. Therefore, it has been classified as a Variant of Uncertain Significance.

NM_032383.5(HPS3):c.235A>C (p.Ile79Leu)

Gene: HPS3 (HPS3 biogenesis of lysosomal organelles complex 2 subunit 1; plus strand). Cytogenetic location: 3q24.
Variant type: single nucleotide variant.
Coding change: c.235A>C on transcript NM_032383.5 (MANE Select); coding-DNA position 235, A replaced by C.
Protein change: p.Ile79Leu; replaces isoleucine 79 with leucine.
Molecular consequence: missense variant. On other transcripts: intron variant (1).
Genome position (GRCh38, 1-based): chr3:149,140,021, A>C. VCF-style: chr3-149140021-A-C. GRCh37 (hg19) VCF-style: chr3-148857808-A-C.
Other names: c.218-996A>C (NM_001308258.2); short protein forms I79L.
Identifiers: ClinVar variation 2200585 (VCV002200585.1), dbSNP rs755729493, ClinGen allele CA2659759.